The following is an entry in ClinVar:

ClinVar aggregate classification (germline): Uncertain significance (1 of 4 stars; one submission).

Allele frequency attached by ClinVar (database versions not stated): ExAC 0.00001; gnomAD exomes below 0.00001.
gnomAD v4.1: 1 of 1,614,204 alleles (0.000062%); highest among the groups gnomAD compares: African/African-American, 0.0013%; no homozygotes.

Submission:

Labcorp Genetics (formerly Invitae), Labcorp
Classification: Uncertain significance. Last evaluated: 2022-10-10. Review status: criteria provided, single submitter. Criteria: Invitae Variant Classification Sherloc (09022015). Collection method: clinical testing. Allele origin: germline.
Comment: In summary, the available evidence is currently insufficient to determine the role of this variant in disease. Therefore, it has been classified as a Variant of Uncertain Significance. Algorithms developed to predict the effect of missense changes on protein structure and function (SIFT, PolyPhen-2, Align-GVGD) all suggest that this variant is likely to be disruptive. This variant has not been reported in the literature in individuals affected with DHX32-related conditions. This variant is present in population databases (rs778912686, gnomAD 0.007%). This sequence change replaces isoleucine, which is neutral and non-polar, with valine, which is neutral and non-polar, at codon 438 of the DHX32 protein (p.Ile438Val).

NM_018180.3(DHX32):c.1312A>G (p.Ile438Val)

Genes: BCCIP (BRCA2 and CDKN1A interacting protein; plus strand), DHX32 (DEAH-box helicase 32 (putative); minus strand). Cytogenetic location: 10q26.2.
Variant type: single nucleotide variant.
Coding change: c.1312A>G on transcript NM_018180.3 (MANE Select); coding-DNA position 1312, A replaced by G.
Protein change: p.Ile438Val; replaces isoleucine 438 with valine.
Molecular consequence: missense variant. On other transcripts: intron variant (1).
Genome position (GRCh38, 1-based): chr10:125,852,332, T>C on the plus strand (A>G on the coding strand, the complement: DHX32 is on the minus strand). VCF-style: chr10-125852332-T-C. GRCh37 (hg19) VCF-style: chr10-127540901-T-C.
Other names: c.851-793T>C (NM_016567.4); short protein forms I438V.
Identifiers: ClinVar variation 2035064 (VCV002035064.4), dbSNP rs778912686, ClinGen allele CA5739223.